The following is an entry in ClinVar:

NM_004415.4(DSP):c.7910T>G (p.Ile2637Arg)

Gene: DSP (desmoplakin; plus strand). Cytogenetic location: 6p24.3.
Variant type: single nucleotide variant.
Coding change: c.7910T>G on transcript NM_004415.4 (MANE Select); coding-DNA position 7910, T replaced by G.
Protein change: p.Ile2637Arg; replaces isoleucine 2637 with arginine.
Molecular consequence: missense variant.
Genome position (GRCh38, 1-based): chr6:7,585,172, T>G. VCF-style: chr6-7585172-T-G. GRCh37 (hg19) VCF-style: chr6-7585405-T-G.
Other names: c.6113T>G, p.Ile2038Arg (NM_001008844.3); c.6581T>G, p.Ile2194Arg (NM_001319034.2); short protein forms I2637R, I2038R, I2194R.
Identifiers: ClinVar variation 4786648 (VCV004786648.1).

ClinVar aggregate classification (germline): Uncertain significance (1 of 4 stars; one submission).

Conditions:
Arrhythmogenic cardiomyopathy with wooly hair and keratoderma. Also called: Carvajal syndrome; PALMOPLANTAR KERATODERMA WITH LEFT VENTRICULAR CARDIOMYOPATHY AND WOOLLY HAIR; Dilated cardiomyopathy with woolly hair and keratoderma; Arrhythmogenic cardiomyopathy with woolly hair and keratoderma. Identifiers: Orphanet 65282, MedGen C1854063, MONDO:0011581, OMIM 605676.
Arrhythmogenic right ventricular dysplasia 8 (ARVD8). Also called: Arrhythmogenic Right Ventricular Dysplasia/Cardiomyopathy 8; ARRHYTHMOGENIC RIGHT VENTRICULAR DYSPLASIA, FAMILIAL, 8; ARRHYTHMOGENIC RIGHT VENTRICULAR CARDIOMYOPATHY 8. Identifiers: MedGen C1843896, MONDO:0011831, OMIM 607450.

Submission:

Labcorp Genetics (formerly Invitae), Labcorp
Classification: Uncertain significance for Arrhythmogenic cardiomyopathy with wooly hair and keratoderma; Arrhythmogenic right ventricular dysplasia 8. Last evaluated: 2025-11-09. Review status: criteria provided, single submitter. Criteria: Invitae Variant Classification Sherloc (09022015). Collection method: clinical testing. Allele origin: germline.
Comment: This sequence change replaces isoleucine, which is neutral and non-polar, with arginine, which is basic and polar, at codon 2637 of the DSP protein (p.Ile2637Arg). This variant is not present in population databases (gnomAD no frequency). This variant has not been reported in the literature in individuals affected with DSP-related conditions. An algorithm developed to predict the effect of missense changes on protein structure and function (PolyPhen-2) suggests that this variant is likely to be disruptive. In summary, the available evidence is currently insufficient to determine the role of this variant in disease. Therefore, it has been classified as a Variant of Uncertain Significance.